The following is an entry in ClinVar:

NM_003098.3(SNTA1):c.692C>T (p.Pro231Leu)

Gene: SNTA1 (syntrophin alpha 1; minus strand). Cytogenetic location: 20q11.21.
Variant type: single nucleotide variant.
Coding change: c.692C>T on transcript NM_003098.3 (MANE Select); coding-DNA position 692, C replaced by T.
Protein change: p.Pro231Leu; replaces proline 231 with leucine.
Molecular consequence: missense variant.
Genome position (GRCh38, 1-based): chr20:33,417,728, G>A on the plus strand (C>T on the coding strand, the complement: SNTA1 is on the minus strand). VCF-style: chr20-33417728-G-A. GRCh37 (hg19) VCF-style: chr20-32005534-G-A.
Other names: c.692C>T (NM_003098.2); short protein forms P231L.
Identifiers: ClinVar variation 1352326 (VCV001352326.9), dbSNP rs559396761, ClinGen allele CA9817175.

ClinVar aggregate classification (germline): Conflicting classifications of pathogenicity. Review status: criteria provided, conflicting classifications (1 of 4 stars). 2 submissions from 2 submitters: Uncertain significance (1); Likely benign (1). Last evaluated 2025-06-07.

Conditions:
Cardiovascular phenotype. Identifiers: MedGen CN230736.
Long QT syndrome (LQTS). Identifiers: MedGen C0023976, MeSH D008133, MONDO:0002442. Disease mechanism: loss of function. Inheritance: Various modes of inheritance.

Allele frequency attached by ClinVar (database versions not stated): gnomAD exomes below 0.00001 and 0.00001; ExAC 0.00001; TOPMed 0.00004; gnomAD 0.00007; 1000 Genomes Project 30x 0.00016; 1000 Genomes Project 0.00020.
gnomAD v4.1: 32 of 1,613,534 alleles (0.002%); highest among the groups gnomAD compares: African/African-American, 0.008%; no homozygotes.

Submissions (2):

Labcorp Genetics (formerly Invitae), Labcorp
Classification: Uncertain significance for Long QT syndrome. Last evaluated: 2025-06-07. Review status: criteria provided, single submitter. Criteria: Invitae Variant Classification Sherloc (09022015). Collection method: clinical testing. Allele origin: germline.
Comment: This sequence change replaces proline, which is neutral and non-polar, with leucine, which is neutral and non-polar, at codon 231 of the SNTA1 protein (p.Pro231Leu). This variant is present in population databases (rs559396761, gnomAD 0.006%). This variant has not been reported in the literature in individuals affected with SNTA1-related conditions. ClinVar contains an entry for this variant (Variation ID: 1352326). Invitae Evidence Modeling of protein sequence and biophysical properties (such as structural, functional, and spatial information, amino acid conservation, physicochemical variation, residue mobility, and thermodynamic stability) indicates that this missense variant is not expected to disrupt SNTA1 protein function with a negative predictive value of 80%. In summary, the available evidence is currently insufficient to determine the role of this variant in disease. Therefore, it has been classified as a Variant of Uncertain Significance.

Ambry Genetics
Classification: Likely benign for Cardiovascular phenotype. Last evaluated: 2023-12-09. Review status: criteria provided, single submitter. Criteria: Ambry Variant Classification Scheme 2023. Collection method: clinical testing. Allele origin: germline.